The following is an entry in ClinVar:

ClinVar aggregate classification (germline): Pathogenic (3 of 4 stars; one submission).

Conditions:
Phenylketonuria (PKU). Also called: FOLLING DISEASE; Phenylketonuria (PKU); OLIGOPHRENIA PHENYLPYRUVICA; Phenylketonurias. Identifiers: Orphanet 716, MedGen C0031485, MONDO:0009861, OMIM 261600. Disease mechanism: loss of function.

Submission:

ClinGen PAH Variant Curation Expert Panel
Classification: Pathogenic for Phenylketonuria. Last evaluated: 2019-04-03. Review status: reviewed by expert panel. Criteria: ClinGen PAH ACMG Specifications v1. Collection method: curation. Allele origin: germline. Inheritance: Autosomal recessive inheritance.
Comment: The variant is a frameshift variant occurring in exon 3 of 13 in the in the canonical transcript of PAH, a gene fulfilling the most recent criteria for LOF being a known disease mechanism (see PMID: 30192042) (PVS1). It is absent from control databases including ethnically matched individuals, including gnomAD/ExAC, 1000 Genomes, and ESP (PM2). In summary, this variant meets criteria to be classified as pathogenic for PAH. PAH-specific ACMG/AMP criteria applied: PVS1, PM2, PP4.

Literature cited by the submitters: PubMed 26503515.

NM_000277.3(PAH):c.184_185insCTGA (p.Leu62fs)

Gene: PAH (phenylalanine hydroxylase; minus strand). Cytogenetic location: 12q23.2.
Variant type: Insertion.
Coding change: c.184_185insCTGA on transcript NM_000277.3 (MANE Select); coding-DNA positions 184 to 185, CTGA inserted.
Protein change: p.Leu62fs; shifts the reading frame from leucine 62.
Molecular consequence: frameshift variant.
Genome position: GRCh38 VCF-style: chr12-102894902-A-ATCAG. GRCh37 (hg19) VCF-style: chr12-103288680-A-ATCAG.
Other names: c.184_185insCTGA, p.Leu62fs (NM_001354304.2); short protein forms L62fs.
Identifiers: ClinVar variation 805811 (VCV000805811.1), dbSNP rs1592978986, ClinGen allele CA913184971.